The following is an entry in ClinVar:

ClinVar aggregate classification (germline): Uncertain significance (1 of 4 stars; one submission).

Conditions:
Gastrointestinal stromal tumor. Also called: Gastrointestinal stromal tumor, somatic; Gastrointestinal stroma tumor. Identifiers: Orphanet 44890, MedGen C0238198, MeSH D046152, MONDO:0011719, OMIM 606764, HP:0100723.

Submission:

Labcorp Genetics (formerly Invitae), Labcorp
Classification: Uncertain significance for Gastrointestinal stromal tumor. Last evaluated: 2023-08-24. Review status: criteria provided, single submitter. Criteria: Invitae Variant Classification Sherloc (09022015). Collection method: clinical testing. Allele origin: germline.
Comment: This sequence change creates a premature translational stop signal (p.Tyr849Metfs*11) in the PDGFRA gene. It is expected to result in an absent or disrupted protein product. However, the current clinical and genetic evidence is not sufficient to establish whether loss-of-function variants in PDGFRA cause disease. This variant is not present in population databases (gnomAD no frequency). This variant has not been reported in the literature in individuals affected with PDGFRA-related conditions. In summary, the available evidence is currently insufficient to determine the role of this variant in disease. Therefore, it has been classified as a Variant of Uncertain Significance.

NM_006206.6(PDGFRA):c.2544del (p.Tyr849fs)

Gene: PDGFRA (platelet derived growth factor receptor alpha; plus strand). Cytogenetic location: 4q12.
Variant type: Deletion.
Coding change: c.2544del on transcript NM_006206.6 (MANE Select); coding-DNA position 2544, one base deleted (C; older notation c.2544delC).
Protein change: p.Tyr849fs; shifts the reading frame from tyrosine 849.
Molecular consequence: frameshift variant.
Genome position (GRCh38, 1-based): chr4:54,285,945, C deleted. VCF-style (leftmost placement, unchanged base first): chr4-54285944-AC-A. GRCh37 (hg19) VCF-style: chr4-55152111-AC-A.
Other names: c.2619del, p.Tyr874fs (NM_001347828.2); c.2544del, p.Tyr849fs (NM_001347829.2); c.2583del, p.Tyr862fs (NM_001347830.2); short protein forms Y862fs, Y874fs, Y849fs.
Identifiers: ClinVar variation 2754812 (VCV002754812.3), dbSNP rs2475549332, ClinGen allele CA2697546712.